The following is an entry in ClinVar:

NM_001127222.2(CACNA1A):c.4608C>T (p.Phe1536=)

Gene: CACNA1A (calcium voltage-gated channel subunit alpha1 A; minus strand). Cytogenetic location: 19p13.13.
Variant type: single nucleotide variant.
Coding change: c.4608C>T on transcript NM_001127222.2 (MANE Select); coding-DNA position 4608, C replaced by T.
Protein change: p.Phe1536=; no amino-acid change (phenylalanine 1536 retained).
Molecular consequence: synonymous variant.
Genome position (GRCh38, 1-based): chr19:13,255,242, G>A on the plus strand (C>T on the coding strand, the complement: CACNA1A is on the minus strand). VCF-style: chr19-13255242-G-A. GRCh37 (hg19) VCF-style: chr19-13366056-G-A.
Other names: c.4620C>T, p.Phe1540= (NM_000068.4, NM_023035.3); c.4611C>T, p.Phe1537= (NM_001127221.2, NM_001174080.2).
Identifiers: ClinVar variation 1140285 (VCV001140285.38), dbSNP rs760679421, ClinGen allele CA9239980.

ClinVar aggregate classification (germline): Likely benign. Review status: criteria provided, multiple submitters, no conflicts (2 of 4 stars). 2 submissions from 2 submitters: Likely benign (2). Last evaluated 2025-12-01.

Conditions:
Developmental and epileptic encephalopathy, 42 (DEE42A). Also called: Epileptic encephalopathy, early infantile, 42; DEVELOPMENTAL AND EPILEPTIC ENCEPHALOPATHY 42A; EPILEPTIC ENCEPHALOPATHY, EARLY INFANTILE, 42A. Identifiers: MedGen C4310716, MONDO:0014917, OMIM 617106.
Episodic ataxia type 2 (EA2). Also called: ATAXIA, EPISODIC, WITH NYSTAGMUS; ATAXIA, FAMILIAL PAROXYSMAL; CEREBELLAR ATAXIA, PAROXYSMAL, ACETAZOLAMIDE-RESPONSIVE; CEREBELLOPATHY, HEREDITARY PAROXYSMAL; EPISODIC ATAXIA, NYSTAGMUS-ASSOCIATED; ACETAZOLAMIDE-RESPONSIVE HEREDITARY PAROXYSMAL CEREBELLAR ATAXIA. Identifiers: Orphanet 97, MedGen C1720416, MONDO:0007163, OMIM 108500.

Allele frequency attached by ClinVar (database versions not stated): gnomAD 0.00002; gnomAD exomes 0.00002 and 0.00004; TOPMed 0.00002; ExAC 0.00004.
gnomAD v4.1: 60 of 1,602,362 alleles (0.0037%); highest among the groups gnomAD compares: Non-Finnish European, 0.0047%; no homozygotes.

Submissions (2):

CeGaT Center for Human Genetics Tuebingen
Classification: Likely benign. Last evaluated: 2025-12-01. Review status: criteria provided, single submitter. Criteria: CeGaT Center For Human Genetics Tuebingen Variant Classification Criteria Version 2. Collection method: clinical testing. Allele origin: germline. Affected: yes. Observed: 3 variant alleles.
Comment: CACNA1A: BP4, BP7

Labcorp Genetics (formerly Invitae), Labcorp
Classification: Likely benign for Developmental and epileptic encephalopathy, 42; Episodic ataxia type 2. Last evaluated: 2025-11-12. Review status: criteria provided, single submitter. Criteria: Invitae Variant Classification Sherloc (09022015). Collection method: clinical testing. Allele origin: germline.